The following is an entry in ClinVar:

ClinVar aggregate classification (germline): Pathogenic (1 of 4 stars; one submission).

Conditions:
Hereditary spastic paraplegia 11. Also called: Nakamura Osame syndrome; Autosomal recessive hereditary spastic paraplegia, mental impairment, and thin corpus callosum; Spastic paraplegia, mental retardation and thin corpus callosum; SPASTIC PARAPLEGIA, AUTOSOMAL RECESSIVE, COMPLICATED, WITH THIN CORPUS CALLOSUM; SPASTIC PARAPLEGIA, AUTOSOMAL RECESSIVE, WITH MENTAL IMPAIRMENT AND THIN CORPUS CALLOSUM; Spastic Paraplegia 11. Identifiers: Orphanet 2822, MedGen C1858479, MONDO:0011445, OMIM 604360.

Submission:

Labcorp Genetics (formerly Invitae), Labcorp
Classification: Pathogenic for Hereditary spastic paraplegia 11. Last evaluated: 2023-07-13. Review status: criteria provided, single submitter. Criteria: Invitae Variant Classification Sherloc (09022015). Collection method: clinical testing. Allele origin: germline.
Comment: This sequence change creates a premature translational stop signal (p.Trp1721Glnfs*112) in the SPG11 gene. It is expected to result in an absent or disrupted protein product. Loss-of-function variants in SPG11 are known to be pathogenic (PMID: 19105190, 20110243, 22154821, 26556829). This variant is not present in population databases (gnomAD no frequency). This variant has not been reported in the literature in individuals affected with SPG11-related conditions. Algorithms developed to predict the effect of sequence changes on RNA splicing suggest that this variant may create or strengthen a splice site. For these reasons, this variant has been classified as Pathogenic.

Literature cited by the submitters: PubMed 19105190; PubMed 20110243; PubMed 22154821; PubMed 26556829.

NM_025137.4(SPG11):c.5161_5176del (p.Trp1721fs)

Gene: SPG11 (SPG11 vesicle trafficking associated, spatacsin; minus strand). Cytogenetic location: 15q21.1.
Variant type: Deletion.
Coding change: c.5161_5176del on transcript NM_025137.4 (MANE Select); coding-DNA positions 5161 to 5176, 16 bases deleted (TGGTCACTAAAACAAG).
Protein change: p.Trp1721fs; shifts the reading frame from tryptophan 1721.
Molecular consequence: frameshift variant. On other transcripts: intron variant (1).
Genome position (GRCh38, 1-based): chr15:44,584,504-44,584,519, CTTGTTTTAGTGACCA deleted on the plus strand (TGGTCACTAAAACAAG on the coding strand, the reverse complement: SPG11 is on the minus strand); deleting any 16 consecutive bases within chr15:44,584,504-44,584,521 gives the same sequence; the c. name uses the placement nearest the transcript's 3' end. VCF-style (leftmost placement, unchanged base first): chr15-44584503-GCTTGTTTTAGTGACCA-G. GRCh37 (hg19) VCF-style: chr15-44876701-GCTTGTTTTAGTGACCA-G.
Other names: c.5161_5176del, p.Trp1721fs (NM_001160227.2); c.5122-105_5122-90del (NM_001411132.1); short protein forms W1721fs.
Identifiers: ClinVar variation 2743025 (VCV002743025.3), dbSNP rs2505293828, ClinGen allele CA2697554435.